The following is an entry in ClinVar:

ClinVar aggregate classification (germline): Uncertain significance (1 of 4 stars; one submission).

Submission:

GeneDx
Classification: Uncertain significance. Last evaluated: 2023-01-11. Review status: criteria provided, single submitter. Criteria: GeneDx Variant Classification Process June 2021. Collection method: clinical testing. Allele origin: germline. Affected: yes.
Comment: Not observed at significant frequency in large population cohorts (gnomAD); In silico analysis supports that this missense variant has a deleterious effect on protein structure/function; Has not been previously published as pathogenic or benign to our knowledge

NM_004100.5(EYA4):c.1745A>G (p.Glu582Gly)

Genes: EYA4 (EYA transcriptional coactivator and phosphatase 4; plus strand), TARID (TCF21 antisense RNA inducing promoter demethylation; minus strand). Cytogenetic location: 6q23.2.
Variant type: single nucleotide variant.
Coding change: c.1745A>G on transcript NM_004100.5 (MANE Select); coding-DNA position 1745, A replaced by G.
Protein change: p.Glu582Gly; replaces glutamic acid 582 with glycine.
Molecular consequence: missense variant. On other transcripts: intron variant (3).
Genome position (GRCh38, 1-based): chr6:133,525,160, A>G. VCF-style: chr6-133525160-A-G. GRCh37 (hg19) VCF-style: chr6-133846298-A-G.
Other names: c.1763A>G, p.Glu588Gly (NM_001301013.2); c.1601A>G, p.Glu534Gly (NM_001370459.1); c.1676A>G, p.Glu559Gly (NM_172103.4); c.1839+45A>G (NM_172105.4); c.1770+45A>G (NM_001370458.1); c.1677+45A>G (NM_001301012.2); short protein forms E534G, E559G, E582G, E588G.
Identifiers: ClinVar variation 2572804 (VCV002572804.1), dbSNP rs2535524503, ClinGen allele CA365700421.